The following is an entry in ClinVar:

ClinVar aggregate classification (germline): Uncertain significance. Review status: criteria provided, multiple submitters, no conflicts (2 of 4 stars). 3 submissions from 3 submitters: Uncertain significance (3). Last evaluated 2025-11-26.

Conditions:
Hereditary cancer-predisposing syndrome. Also called: Neoplastic Syndromes, Hereditary; Hereditary Cancer Syndrome; Tumor predisposition; Hereditary neoplastic syndrome. Identifiers: Orphanet 140162, MedGen C0027672, MeSH D009386, MONDO:0015356.
Oligodontia-cancer predisposition syndrome. Also called: TOOTH AGENESIS-COLORECTAL CANCER SYNDROME. Identifiers: Orphanet 300576, MedGen C1837750, MONDO:0012075, OMIM 608615. Disease mechanism: loss of function.
Colorectal cancer. Also called: Malignant Colorectal Neoplasm; Colorectal cancer, somatic. Identifiers: MedGen C0346629, MONDO:0005575, OMIM 114500.

Allele frequency attached by ClinVar (database versions not stated): TOPMed below 0.00001; ExAC 0.00001; gnomAD 0.00001; gnomAD exomes 0.00001.
gnomAD v4.1: 1 of 1,613,726 alleles (0.000062%); highest among the groups gnomAD compares: Non-Finnish European, 0.000085%; no homozygotes.

Submissions (3):

Ambry Genetics
Classification: Uncertain significance for Hereditary cancer-predisposing syndrome. Last evaluated: 2025-11-26. Review status: criteria provided, single submitter. Criteria: Ambry Variant Classification Scheme 2023. Collection method: clinical testing. Allele origin: germline.
Comment: The p.P687L variant (also known as c.2060C>T), located in coding exon 7 of the AXIN2 gene, results from a C to T substitution at nucleotide position 2060. The proline at codon 687 is replaced by leucine, an amino acid with similar properties. This amino acid position is well conserved in available vertebrate species. In addition, this alteration is predicted to be tolerated by in silico analysis. Since supporting evidence is limited at this time, the clinical significance of this alteration remains unclear.

Labcorp Genetics (formerly Invitae), Labcorp
Classification: Uncertain significance for Oligodontia-cancer predisposition syndrome. Last evaluated: 2025-11-21. Review status: criteria provided, single submitter. Criteria: Invitae Variant Classification Sherloc (09022015). Collection method: clinical testing. Allele origin: germline.
Comment: This sequence change replaces proline, which is neutral and non-polar, with leucine, which is neutral and non-polar, at codon 687 of the AXIN2 protein (p.Pro687Leu). This variant is present in population databases (rs771109399, gnomAD 0.002%). This variant has not been reported in the literature in individuals affected with AXIN2-related conditions. ClinVar contains an entry for this variant (Variation ID: 574566). Invitae Evidence Modeling of protein sequence and biophysical properties (such as structural, functional, and spatial information, amino acid conservation, physicochemical variation, residue mobility, and thermodynamic stability) indicates that this missense variant is not expected to disrupt AXIN2 protein function with a negative predictive value of 80%. In summary, the available evidence is currently insufficient to determine the role of this variant in disease. Therefore, it has been classified as a Variant of Uncertain Significance.

Baylor Genetics
Classification: Uncertain significance for Colorectal cancer. Last evaluated: 2023-09-05. Review status: criteria provided, single submitter. Criteria: ACMG Guidelines, 2015. Collection method: clinical testing. Allele origin: unknown.

NM_004655.4(AXIN2):c.2060C>T (p.Pro687Leu)

Gene: AXIN2 (axin 2; minus strand). Cytogenetic location: 17q24.1.
Variant type: single nucleotide variant.
Coding change: c.2060C>T on transcript NM_004655.4 (MANE Select); coding-DNA position 2060, C replaced by T.
Protein change: p.Pro687Leu; replaces proline 687 with leucine.
Molecular consequence: missense variant.
Genome position (GRCh38, 1-based): chr17:65,536,401, G>A on the plus strand (C>T on the coding strand, the complement: AXIN2 is on the minus strand). VCF-style: chr17-65536401-G-A. GRCh37 (hg19) VCF-style: chr17-63532519-G-A.
Other names: c.2060C>T (LRG_296t1); c.1865C>T, p.Pro622Leu (NM_001363813.1); short protein forms P687L, P622L.
Identifiers: ClinVar variation 574566 (VCV000574566.14), dbSNP rs771109399, ClinGen allele CA8718421.